The following is an entry in ClinVar:

ClinVar aggregate classification (germline): Uncertain significance (1 of 4 stars; one submission).

Conditions:
Menkes kinky-hair syndrome (MNK). Also called: Copper transport disease; Menkes Disease; Classic Menkes Disease. Identifiers: Orphanet 565, MedGen C0022716, MONDO:0010651, OMIM 309400.
Cutis laxa, X-linked (OHS). Also called: EDS IX; Occipital horn syndrome. Identifiers: Orphanet 198, MedGen C0268353, MONDO:0010572, OMIM 304150.
X-linked distal spinal muscular atrophy type 3. Also called: NEURONOPATHY, DISTAL HEREDITARY MOTOR, X-LINKED; NEUROPATHY, DISTAL HEREDITARY MOTOR, X-LINKED; ATP7A-Related Distal Motor Neuropathy; SPINAL MUSCULAR ATROPHY, DISTAL, X-LINKED RECESSIVE. Identifiers: Orphanet 139557, MedGen C1845359, MONDO:0010338, OMIM 300489.

Submission:

Labcorp Genetics (formerly Invitae), Labcorp
Classification: Uncertain significance for X-linked distal spinal muscular atrophy type 3; Cutis laxa, X-linked; Menkes kinky-hair syndrome. Last evaluated: 2024-05-23. Review status: criteria provided, single submitter. Criteria: Invitae Variant Classification Sherloc (09022015). Collection method: clinical testing. Allele origin: germline.
Comment: This sequence change replaces isoleucine, which is neutral and non-polar, with arginine, which is basic and polar, at codon 454 of the ATP7A protein (p.Ile454Arg). This variant is not present in population databases (gnomAD no frequency). This variant has not been reported in the literature in individuals affected with ATP7A-related conditions. Advanced modeling of protein sequence and biophysical properties (such as structural, functional, and spatial information, amino acid conservation, physicochemical variation, residue mobility, and thermodynamic stability) performed at Invitae indicates that this missense variant is not expected to disrupt ATP7A protein function with a negative predictive value of 95%. In summary, the available evidence is currently insufficient to determine the role of this variant in disease. Therefore, it has been classified as a Variant of Uncertain Significance.

NM_000052.7(ATP7A):c.1361T>G (p.Ile454Arg)

Gene: ATP7A (ATPase copper transporting alpha; plus strand). Cytogenetic location: Xq21.1.
Variant type: single nucleotide variant.
Coding change: c.1361T>G on transcript NM_000052.7 (MANE Select); coding-DNA position 1361, T replaced by G.
Protein change: p.Ile454Arg; replaces isoleucine 454 with arginine.
Molecular consequence: missense variant.
Genome position (GRCh38, 1-based): chrX:77,998,502, T>G. VCF-style: chrX-77998502-T-G. GRCh37 (hg19) VCF-style: chrX-77253999-T-G.
Other names: c.1361T>G, p.Ile454Arg (NM_001282224.2); short protein forms I454R.
Identifiers: ClinVar variation 3763432 (VCV003763432.2).